The following is an entry in ClinVar:

ClinVar aggregate classification (germline): Likely benign. Review status: criteria provided, single submitter (1 of 4 stars). 2 submissions from 2 submitters: Likely benign (1). 1 of the submissions does not count toward it. Last evaluated 2024-02-24.

Conditions:
D2HGDH-related disorder. Also called: D2HGDH-related condition.
D-2-hydroxyglutaric aciduria 1 (D2HGA1). Identifiers: Orphanet 79315, MedGen C3152055, MONDO:0024554, OMIM 600721.

Allele frequency attached by ClinVar (database versions not stated): gnomAD 0.00002; TOPMed 0.00002; ExAC 0.00003.
gnomAD v4.1: 26 of 1,604,490 alleles (0.0016%); highest among the groups gnomAD compares: East Asian, 0.009%; no homozygotes.

Submissions (2):

Labcorp Genetics (formerly Invitae), Labcorp
Classification: Likely benign for D-2-hydroxyglutaric aciduria 1. Last evaluated: 2024-02-24. Review status: criteria provided, single submitter. Criteria: Invitae Variant Classification Sherloc (09022015). Collection method: clinical testing. Allele origin: germline.

PreventionGenetics, part of Exact Sciences
Classification: Likely benign for D2HGDH-related condition. Last evaluated: 2019-02-28. Review status: no assertion criteria provided. Collection method: clinical testing. Allele origin: germline. Not counted in ClinVar's aggregate classification.
Comment: This variant is classified as likely benign based on ACMG/AMP sequence variant interpretation guidelines (Richards et al. 2015 PMID: 25741868, with internal and published modifications).

NM_152783.5(D2HGDH):c.1266C>T (p.Leu422=)

Gene: D2HGDH (D-2-hydroxyglutarate dehydrogenase; plus strand). Cytogenetic location: 2q37.3.
Variant type: single nucleotide variant.
Coding change: c.1266C>T on transcript NM_152783.5 (MANE Select); coding-DNA position 1266, C replaced by T.
Protein change: p.Leu422=; no amino-acid change (leucine 422 retained).
Molecular consequence: synonymous variant. On other transcripts: non-coding transcript variant (1).
Genome position (GRCh38, 1-based): chr2:241,755,974, C>T. VCF-style: chr2-241755974-C-T. GRCh37 (hg19) VCF-style: chr2-242695389-C-T.
Other names: c.864C>T, p.Leu288= (NM_001287249.2); c.705C>T, p.Leu235= (NM_001352824.2); c.1266C>T (NM_152783.4).
Identifiers: ClinVar variation 2198519 (VCV002198519.5), dbSNP rs750097168, ClinGen allele CA2222142.